The following is an entry in ClinVar:

ClinVar aggregate classification (germline): Uncertain significance. Review status: criteria provided, multiple submitters, no conflicts (2 of 4 stars). 2 submissions from 2 submitters: Uncertain significance (2). Last evaluated 2022-03-13.

Conditions:
Chédiak-Higashi syndrome (CHS). Also called: Chediak-Higashi Syndrome. Identifiers: Orphanet 167, MedGen C0007965, MONDO:0008963, OMIM 214500.

Allele frequency attached by ClinVar (database versions not stated): gnomAD exomes 0.00001; ExAC 0.00002.
gnomAD v4.1: 17 of 1,613,460 alleles (0.0011%); highest among the groups gnomAD compares: East Asian, 0.0022%; no homozygotes.

Submissions (2):

Labcorp Genetics (formerly Invitae), Labcorp
Classification: Uncertain significance for Chédiak-Higashi syndrome. Last evaluated: 2022-03-13. Review status: criteria provided, single submitter. Criteria: Invitae Variant Classification Sherloc (09022015). Collection method: clinical testing. Allele origin: germline.
Comment: This sequence change replaces arginine, which is basic and polar, with histidine, which is basic and polar, at codon 147 of the LYST protein (p.Arg147His). This variant is present in population databases (rs759868763, gnomAD 0.01%). This variant has not been reported in the literature in individuals affected with LYST-related conditions. ClinVar contains an entry for this variant (Variation ID: 806389). Algorithms developed to predict the effect of missense changes on protein structure and function are either unavailable or do not agree on the potential impact of this missense change (SIFT: "Tolerated"; PolyPhen-2: "Probably Damaging"; Align-GVGD: "Class C0"). In summary, the available evidence is currently insufficient to determine the role of this variant in disease. Therefore, it has been classified as a Variant of Uncertain Significance.

CeGaT Center for Human Genetics Tuebingen
Classification: Uncertain significance. Last evaluated: 2016-05-01. Review status: criteria provided, single submitter. Criteria: CeGaT Center For Human Genetics Tuebingen Variant Classification Criteria Version 2. Collection method: clinical testing. Allele origin: germline. Affected: yes. Observed: 1 variant allele.

NM_000081.4(LYST):c.440G>A (p.Arg147His)

Gene: LYST (lysosomal trafficking regulator; minus strand). Cytogenetic location: 1q42.3.
Variant type: single nucleotide variant.
Coding change: c.440G>A on transcript NM_000081.4 (MANE Select); coding-DNA position 440, G replaced by A.
Protein change: p.Arg147His; replaces arginine 147 with histidine.
Molecular consequence: missense variant.
Genome position (GRCh38, 1-based): chr1:235,810,378, C>T on the plus strand (G>A on the coding strand, the complement: LYST is on the minus strand). VCF-style: chr1-235810378-C-T. GRCh37 (hg19) VCF-style: chr1-235973678-C-T.
Other names: c.440G>A, p.Arg147His (NM_001301365.1); short protein forms R147H.
Identifiers: ClinVar variation 806389 (VCV000806389.45), dbSNP rs759868763, ClinGen allele CA1467625.